The following is an entry in ClinVar:

ClinVar aggregate classification (germline): Uncertain significance. Review status: criteria provided, multiple submitters, no conflicts (2 of 4 stars). 2 submissions from 2 submitters: Uncertain significance (2). Last evaluated 2023-05-12.

Submissions (2):

Labcorp Genetics (formerly Invitae), Labcorp
Classification: Uncertain significance. Last evaluated: 2023-05-12. Review status: criteria provided, single submitter. Criteria: Invitae Variant Classification Sherloc (09022015). Collection method: clinical testing. Allele origin: germline.
Comment: In summary, the available evidence is currently insufficient to determine the role of this variant in disease. Therefore, it has been classified as a Variant of Uncertain Significance. Algorithms developed to predict the effect of missense changes on protein structure and function output the following: SIFT: "Not Available"; PolyPhen-2: "Benign"; Align-GVGD: "Not Available". The glycine amino acid residue is found in multiple mammalian species, which suggests that this missense change does not adversely affect protein function. ClinVar contains an entry for this variant (Variation ID: 2267057). This variant has not been reported in the literature in individuals affected with FGF20-related conditions. This variant is not present in population databases (gnomAD no frequency). This sequence change replaces glutamic acid, which is acidic and polar, with glycine, which is neutral and non-polar, at codon 45 of the FGF20 protein (p.Glu45Gly).

Ambry Genetics
Classification: Uncertain significance. Last evaluated: 2021-12-14. Review status: criteria provided, single submitter. Criteria: Ambry Variant Classification Scheme 2023. Collection method: clinical testing. Allele origin: germline.

NM_019851.3(FGF20):c.134A>G (p.Glu45Gly)

Genes: FGF20 (fibroblast growth factor 20; minus strand), LOC129999926 (ATAC-STARR-seq lymphoblastoid silent region 18958; plus strand). Cytogenetic location: 8p22.
Variant type: single nucleotide variant.
Coding change: c.134A>G on transcript NM_019851.3 (MANE Select); coding-DNA position 134, A replaced by G.
Protein change: p.Glu45Gly; replaces glutamic acid 45 with glycine.
Molecular consequence: missense variant.
Genome position (GRCh38, 1-based): chr8:17,001,899, T>C on the plus strand (A>G on the coding strand, the complement: FGF20 is on the minus strand). VCF-style: chr8-17001899-T-C. GRCh37 (hg19) VCF-style: chr8-16859408-T-C.
Other names: short protein forms E45G.
Identifiers: ClinVar variation 2267057 (VCV002267057.5), dbSNP rs750018995, ClinGen allele CA172915068.